The following is an entry in ClinVar:

ClinVar aggregate classification (germline): Conflicting classifications of pathogenicity. Review status: criteria provided, conflicting classifications (1 of 4 stars). 3 submissions from 3 submitters: Uncertain significance (2); Likely benign (1). Last evaluated 2026-04-01.

Allele frequency attached by ClinVar (database versions not stated): gnomAD exomes below 0.00001 and 0.00001; TOPMed 0.00001.
gnomAD v4.1: 2 of 1,211,322 alleles (0.00017%); highest among the groups gnomAD compares: Admixed American, 0.0022%; no homozygotes.

Submissions (3):

CeGaT Center for Human Genetics Tuebingen
Classification: Likely benign. Last evaluated: 2026-04-01. Review status: criteria provided, single submitter. Criteria: CeGaT Center For Human Genetics Tuebingen Variant Classification Criteria Version 2. Collection method: clinical testing. Allele origin: germline. Affected: yes. Observed: 1 variant allele.
Comment: NEXMIF: BP4

Labcorp Genetics (formerly Invitae), Labcorp
Classification: Uncertain significance. Last evaluated: 2024-05-15. Review status: criteria provided, single submitter. Criteria: Invitae Variant Classification Sherloc (09022015). Collection method: clinical testing. Allele origin: germline.
Comment: This sequence change replaces proline, which is neutral and non-polar, with threonine, which is neutral and polar, at codon 412 of the NEXMIF protein (p.Pro412Thr). This variant is present in population databases (no rsID available, gnomAD 0.004%), including at least one homozygous and/or hemizygous individual. This variant has not been reported in the literature in individuals affected with NEXMIF-related conditions. ClinVar contains an entry for this variant (Variation ID: 589249). An algorithm developed to predict the effect of missense changes on protein structure and function (PolyPhen-2) suggests that this variant is likely to be tolerated. In summary, the available evidence is currently insufficient to determine the role of this variant in disease. Therefore, it has been classified as a Variant of Uncertain Significance.

Ambry Genetics
Classification: Uncertain significance. Last evaluated: 2016-03-13. Review status: criteria provided, single submitter. Criteria: Ambry Variant Classification Scheme 2023. Collection method: clinical testing. Allele origin: germline.
Comment: The p.P412T variant (also known as c.1234C>A), located in coding exon 2 of the KIAA2022 gene, results from a C to A substitution at nucleotide position 1234. The proline at codon 412 is replaced by threonine, an amino acid with highly similar properties. This variant was not reported in population based cohorts in the following databases: Database of Single Nucleotide Polymorphisms (dbSNP), NHLBI Exome Sequencing Project (ESP), and 1000 Genomes Project. In the ESP, this variant was not observed in 6503 samples with coverage at this position. This amino acid position is not well conserved in available vertebrate species. In addition, this alteration is predicted to be tolerated by in silico analysis. Since supporting evidence is limited at this time, the clinical significance of p.P412T remains unclear.

NM_001008537.3(NEXMIF):c.1234C>A (p.Pro412Thr)

Gene: NEXMIF (neurite extension and migration factor; minus strand). Cytogenetic location: Xq13.3.
Variant type: single nucleotide variant.
Coding change: c.1234C>A on transcript NM_001008537.3 (MANE Select); coding-DNA position 1234, C replaced by A.
Protein change: p.Pro412Thr; replaces proline 412 with threonine.
Molecular consequence: missense variant.
Genome position (GRCh38, 1-based): chrX:74,743,323, G>T on the plus strand (C>A on the coding strand, the complement: NEXMIF is on the minus strand). VCF-style: chrX-74743323-G-T. GRCh37 (hg19) VCF-style: chrX-73963158-G-T.
Other names: short protein forms P412T.
Identifiers: ClinVar variation 589249 (VCV000589249.15), dbSNP rs1240885021, ClinGen allele CA413670974.
Genomic context (GRCh38, chrX:74,743,323, plus strand): 5'-AATTAGCAAGATGGCCCTGCTTTGGATTCTTAAGTTGCTCTACTTCAGTCCCACTGCATG[G>T]TTTATTTAAGGCAGGCTTTTCTCCATTATCCTTTCCATCTTTCTTCTCTACACCTTTGTC-3'
Protein context (NP_001008537.1, residues 402-422): DNGEKPALNK[Pro412Thr]CSGTEVEQLK